The following is an entry in ClinVar:

NM_000942.5(PPIB):c.497A>C (p.His166Pro)

Genes: PPIB (peptidylprolyl isomerase B; minus strand), SNX22 (sorting nexin 22; plus strand). Cytogenetic location: 15q22.31.
Variant type: single nucleotide variant.
Coding change: c.497A>C on transcript NM_000942.5 (MANE Select); coding-DNA position 497, A replaced by C.
Protein change: p.His166Pro; replaces histidine 166 with proline.
Molecular consequence: missense variant. On other transcripts: 3 prime UTR variant (1), non-coding transcript variant (1).
Genome position (GRCh38, 1-based): chr15:64,156,756, T>G on the plus strand (A>C on the coding strand, the complement: PPIB is on the minus strand). VCF-style: chr15-64156756-T-G. GRCh37 (hg19) VCF-style: chr15-64448955-T-G.
Other names: c.*2248T>G (NM_024798.3); short protein forms H166P.
Identifiers: ClinVar variation 4689501 (VCV004689501.1).

ClinVar aggregate classification (germline): Likely pathogenic (1 of 4 stars; one submission).

Conditions:
Osteogenesis imperfecta (OI). Identifiers: Orphanet 666, MedGen C0029434, MeSH D010013, MONDO:0019019.

gnomAD v4.1: 4 of 1,614,172 alleles (0.00025%); highest among the groups gnomAD compares: Non-Finnish European, 0.00034%; no homozygotes.

Submission:

Women's Health and Genetics/Laboratory Corporation of America, LabCorp
Classification: Likely pathogenic for Osteogenesis imperfecta. Last evaluated: 2026-01-27. Review status: criteria provided, single submitter. Criteria: LabCorp Variant Classification Summary - May 2015. Collection method: clinical testing. Allele origin: germline.
Comment: Variant summary: PPIB c.497A>C (p.His166Pro) results in a non-conservative amino acid change in the encoded protein sequence. Algorithms developed to predict the effect of missense changes on protein structure and function all suggest that this variant is likely to be disruptive. The variant was absent in 251496 control chromosomes. c.497A>C has been observed in the homozygous state in at least 1 individual(s) affected with Osteogenesis Imperfecta (example, Caparros-Martin_2013). These data indicate that the variant may be associated with disease. At least one publication reports experimental evidence evaluating an impact on protein function in patient fibroblasts. The protein expression was severely reduced/undetectable by Western blotting (example, Besio_2019). The following publications have been ascertained in the context of this evaluation (PMID: 27625864, 23613367, 31171565). No submitters have cited clinical-significance assessments for this variant to ClinVar. Based on the evidence outlined above, the variant was classified as likely pathogenic.

Literature cited by the submitters: PubMed 27625864; PubMed 31171565; PubMed 23613367.